The following is an entry in ClinVar:

NM_182914.3(SYNE2):c.5062G>A (p.Val1688Ile)

Gene: SYNE2 (spectrin repeat containing nuclear envelope protein 2; plus strand). Cytogenetic location: 14q23.2.
Variant type: single nucleotide variant.
Coding change: c.5062G>A on transcript NM_182914.3 (MANE Select); coding-DNA position 5062, G replaced by A.
Protein change: p.Val1688Ile; replaces valine 1688 with isoleucine.
Molecular consequence: missense variant.
Genome position (GRCh38, 1-based): chr14:64,020,004, G>A. VCF-style: chr14-64020004-G-A. GRCh37 (hg19) VCF-style: chr14-64486722-G-A.
Other names: c.5062G>A, p.Val1688Ile (NM_015180.6); short protein forms V1688I.
Identifiers: ClinVar variation 4736776 (VCV004736776.1).

ClinVar aggregate classification (germline): Uncertain significance (1 of 4 stars; one submission).

Conditions:
Emery-Dreifuss muscular dystrophy 5, autosomal dominant (EDMD5). Also called: EMERY-DREIFUSS MUSCULAR DYSTROPHY 5. Identifiers: Orphanet 261, MedGen C2751805, MONDO:0013072, OMIM 612999.

gnomAD v4.1: 3 of 1,610,306 alleles (0.00019%); highest among the groups gnomAD compares: Non-Finnish European, 0.00025%; no homozygotes.

Submission:

Labcorp Genetics (formerly Invitae), Labcorp
Classification: Uncertain significance for Emery-Dreifuss muscular dystrophy 5, autosomal dominant. Last evaluated: 2025-09-30. Review status: criteria provided, single submitter. Criteria: Invitae Variant Classification Sherloc (09022015). Collection method: clinical testing. Allele origin: germline.
Comment: This sequence change replaces valine, which is neutral and non-polar, with isoleucine, which is neutral and non-polar, at codon 1688 of the SYNE2 protein (p.Val1688Ile). This variant is present in population databases (rs756215678, gnomAD 0.0009%). This variant has not been reported in the literature in individuals affected with SYNE2-related conditions. An algorithm developed to predict the effect of missense changes on protein structure and function outputs the following: PolyPhen-2: "Benign". The isoleucine amino acid residue is found in multiple mammalian species, which suggests that this missense change does not adversely affect protein function. In summary, the available evidence is currently insufficient to determine the role of this variant in disease. Therefore, it has been classified as a Variant of Uncertain Significance.